The following is an entry in ClinVar:

ClinVar aggregate classification (germline): Benign (1 of 4 stars; one submission).

Allele frequency attached by ClinVar (database versions not stated): gnomAD 0.77898 and 0.78539; TOPMed 0.79516; 1000 Genomes Project 0.87700.

Submission:

GeneDx
Classification: Benign. Last evaluated: 2018-06-13. Review status: criteria provided, single submitter. Criteria: GeneDx Variant Classification (06012015). Collection method: clinical testing. Allele origin: germline. Affected: yes.
Comment: This variant is considered likely benign or benign based on one or more of the following criteria: it is a conservative change, it occurs at a poorly conserved position in the protein, it is predicted to be benign by multiple in silico algorithms, and/or has population frequency not consistent with disease.

NM_080680.3(COL11A2):c.2988+57A>C

Gene: COL11A2 (collagen type XI alpha 2 chain; minus strand). Cytogenetic location: 6p21.32.
Variant type: single nucleotide variant.
Coding change: c.2988+57A>C on transcript NM_080680.3 (MANE Select); 57 bases into the intron after coding-DNA position 2988, A replaced by C.
Molecular consequence: intron variant.
Genome position (GRCh38, 1-based): chr6:33,172,232, T>G on the plus strand (A>C on the coding strand, the complement: COL11A2 is on the minus strand). VCF-style: chr6-33172232-T-G. GRCh37 (hg19) VCF-style: chr6-33140009-T-G.
Other names: c.2667+57A>C (NM_080679.3); c.2730+57A>C (NM_080681.3).
Identifiers: ClinVar variation 674775 (VCV000674775.1), dbSNP rs973233, ClinGen allele CA12189107.